The following is an entry in ClinVar:

ClinVar aggregate classification (germline): Uncertain significance (1 of 4 stars; one submission).

Conditions:
Hereditary cancer-predisposing syndrome. Also called: Hereditary neoplastic syndrome; Neoplastic Syndromes, Hereditary; Tumor predisposition; Hereditary Cancer Syndrome. Identifiers: Orphanet 140162, MedGen C0027672, MeSH D009386, MONDO:0015356.

Submission:

Ambry Genetics
Classification: Uncertain significance for Hereditary cancer-predisposing syndrome. Last evaluated: 2025-07-23. Review status: criteria provided, single submitter. Criteria: Ambry Variant Classification Scheme 2023. Collection method: clinical testing. Allele origin: germline.
Comment: The c.1686+1G>T intronic variant results from a G to T substitution one nucleotide after coding exon 12 of the POLD1 gene. This nucleotide position is highly conserved in available vertebrate species. In silico splice site analysis predicts that this alteration will weaken the native splice donor site and will result in the creation or strengthening of a novel splice donor site. Alterations that disrupt the canonical splice site are expected to cause aberrant splicing, resulting in an abnormal protein or a transcript that is subject to nonsense-mediated mRNA decay. However, loss of function of POLD1 has not been established as a mechanism of disease. Based on the available evidence, the clinical significance of this alteration remains unclear.

NM_002691.4(POLD1):c.1686+1G>T

Gene: POLD1 (DNA polymerase delta 1, catalytic subunit; plus strand). Cytogenetic location: 19q13.33.
Variant type: single nucleotide variant.
Coding change: c.1686+1G>T on transcript NM_002691.4 (MANE Select); the canonical splice donor site of the intron after coding-DNA position 1686, G replaced by T.
Molecular consequence: splice donor variant.
Genome position (GRCh38, 1-based): chr19:50,407,175, G>T. VCF-style: chr19-50407175-G-T. GRCh37 (hg19) VCF-style: chr19-50910432-G-T.
Other names: c.1686+1G>T (NM_001256849.1, NM_001438212.1, NM_001438213.1 and 3 more transcripts).
Identifiers: ClinVar variation 4140980 (VCV004140980.1).